The following is an entry in ClinVar:

ClinVar aggregate classification (germline): Likely benign (1 of 4 stars; one submission).

Allele frequency attached by ClinVar (database versions not stated): gnomAD exomes 0.00001.
gnomAD v4.1: 10 of 1,545,836 alleles (0.00065%); highest among the groups gnomAD compares: Non-Finnish European, 0.00079%; no homozygotes.

Submission:

CeGaT Center for Human Genetics Tuebingen
Classification: Likely benign. Last evaluated: 2026-08-01. Review status: criteria provided, single submitter. Criteria: CeGaT Center For Human Genetics Tuebingen Variant Classification Criteria Version 2. Collection method: clinical testing. Allele origin: germline. Affected: yes. Observed: 2 variant alleles.
Comment: ALKBH8: BP4

NM_138775.3(ALKBH8):c.769G>C (p.Glu257Gln)

Gene: ALKBH8 (alkB homolog 8, tRNA methyltransferase; minus strand). Cytogenetic location: 11q22.3.
Variant type: single nucleotide variant.
Coding change: c.769G>C on transcript NM_138775.3 (MANE Select); coding-DNA position 769, G replaced by C.
Protein change: p.Glu257Gln; replaces glutamic acid 257 with glutamine.
Molecular consequence: missense variant.
Genome position (GRCh38, 1-based): chr11:107,549,755, C>G on the plus strand (G>C on the coding strand, the complement: ALKBH8 is on the minus strand). VCF-style: chr11-107549755-C-G. GRCh37 (hg19) VCF-style: chr11-107420481-C-G.
Other names: c.769G>C, p.Glu257Gln (NM_001301010.3, NM_001378133.1); short protein forms E257Q.
Identifiers: ClinVar variation 1675472 (VCV001675472.33), dbSNP rs1327967261, ClinGen allele CA382505925.